The following is an entry in ClinVar:

ClinVar aggregate classification (germline): Uncertain significance (1 of 4 stars; one submission).

Conditions:
Werner syndrome (WRN). Identifiers: Orphanet 902, MedGen C0043119, MONDO:0010196, OMIM 277700.

gnomAD v4.1: 1 of 1,612,624 alleles (0.000062%); highest among the groups gnomAD compares: Non-Finnish European, 0.000085%; no homozygotes.

Submission:

Labcorp Genetics (formerly Invitae), Labcorp
Classification: Uncertain significance for Werner syndrome. Last evaluated: 2020-11-05. Review status: criteria provided, single submitter. Criteria: Invitae Variant Classification Sherloc (09022015). Collection method: clinical testing. Allele origin: germline.
Comment: In summary, the available evidence is currently insufficient to determine the role of this variant in disease. Therefore, it has been classified as a Variant of Uncertain Significance. Algorithms developed to predict the effect of missense changes on protein structure and function are either unavailable or do not agree on the potential impact of this missense change (SIFT: "Not Available"; PolyPhen-2: "Benign"; Align-GVGD: "Not Available"). This variant has not been reported in the literature in individuals with WRN-related conditions. This variant is not present in population databases (ExAC no frequency). This sequence change replaces isoleucine with leucine at codon 819 of the WRN protein (p.Ile819Leu). The isoleucine residue is weakly conserved and there is a small physicochemical difference between isoleucine and leucine.

NM_000553.6(WRN):c.2455A>T (p.Ile819Leu)

Gene: WRN (WRN RecQ like helicase; plus strand). Cytogenetic location: 8p12.
Variant type: single nucleotide variant.
Coding change: c.2455A>T on transcript NM_000553.6 (MANE Select); coding-DNA position 2455, A replaced by T.
Protein change: p.Ile819Leu; replaces isoleucine 819 with leucine.
Molecular consequence: missense variant.
Genome position (GRCh38, 1-based): chr8:31,120,249, A>T. VCF-style: chr8-31120249-A-T. GRCh37 (hg19) VCF-style: chr8-30977765-A-T.
Other names: short protein forms I819L.
Identifiers: ClinVar variation 1387063 (VCV001387063.6), dbSNP rs1318783357, ClinGen allele CA370915168.
Genomic context (GRCh38, chr8:31,120,249, plus strand): 5'-AGGTTTTCATTCTGCTAAATATGTTTGTCAAACTGTGTTGTGATTTGTTCTCAGTGTGTC[A>T]TAGCTACCATAGCTTTTGGAATGGGCATTAATAAAGCTGACATTCGCCAAGTCATTCATT-3'
Protein context (NP_000544.2, residues 809-829): RFVRDEIQCV[Ile819Leu]ATIAFGMGIN